The following is an entry in ClinVar:

ClinVar aggregate classification (germline): Likely benign. Review status: criteria provided, single submitter (1 of 4 stars). 3 submissions from 3 submitters: Likely benign (1). 2 of the submissions do not count toward it. Last evaluated 2025-03-17.

Conditions:
Zellweger spectrum disorders (ZS). Also called: Zellweger Spectrum Disorder (ZSD); Zellweger Spectrum Disorder; Zellweger Spectrum; Zellweger syndrome. Identifiers: Orphanet 912, MedGen C0043459, MONDO:0019609.
Peroxisome biogenesis disorder. Identifiers: Orphanet 79189, MedGen C1832200, MONDO:0019234. Disease mechanism: loss of function.
PEX6-related disorder. Also called: PEX6-related condition; PEX6-related disorders.

Allele frequency attached by ClinVar (database versions not stated): gnomAD 0.00004 and 0.00007; TOPMed 0.00005; ExAC 0.00008; ESP Exome Variant Server 0.00008; gnomAD exomes 0.00009 and 0.00012; 1000 Genomes Project 0.00060; 1000 Genomes Project 30x 0.00062.
gnomAD v4.1: 176 of 1,614,198 alleles (0.011%); highest among the groups gnomAD compares: South Asian, 0.033%; no homozygotes.

Submissions (3):

Labcorp Genetics (formerly Invitae), Labcorp
Classification: Likely benign for Peroxisome biogenesis disorder. Last evaluated: 2025-03-17. Review status: criteria provided, single submitter. Criteria: Invitae Variant Classification Sherloc (09022015). Collection method: clinical testing. Allele origin: germline.

PreventionGenetics, part of Exact Sciences
Classification: Likely benign for PEX6-related condition. Last evaluated: 2024-05-29. Review status: no assertion criteria provided. Collection method: clinical testing. Allele origin: germline. Not counted in ClinVar's aggregate classification.
Comment: This variant is classified as likely benign based on ACMG/AMP sequence variant interpretation guidelines (Richards et al. 2015 PMID: 25741868, with internal and published modifications).

Natera, Inc.
Classification: Uncertain significance for Zellweger syndrome. Last evaluated: 2020-01-24. Review status: no assertion criteria provided. Collection method: clinical testing. Allele origin: germline. Not counted in ClinVar's aggregate classification.

NM_000287.4(PEX6):c.657G>A (p.Gln219=)

Gene: PEX6 (peroxisomal biogenesis factor 6; minus strand). Cytogenetic location: 6p21.1.
Variant type: single nucleotide variant.
Coding change: c.657G>A on transcript NM_000287.4 (MANE Select); coding-DNA position 657, G replaced by A.
Protein change: p.Gln219=; no amino-acid change (glutamine 219 retained).
Molecular consequence: synonymous variant. On other transcripts: non-coding transcript variant (1), intron variant (1).
Genome position (GRCh38, 1-based): chr6:42,978,494, C>T on the plus strand (G>A on the coding strand, the complement: PEX6 is on the minus strand). VCF-style: chr6-42978494-C-T. GRCh37 (hg19) VCF-style: chr6-42946232-C-T.
Other names: c.618+39G>A (NM_001316313.2).
Identifiers: ClinVar variation 735805 (VCV000735805.12), dbSNP rs375588028, ClinGen allele CA3811588.